The following is an entry in ClinVar:

ClinVar aggregate classification (germline): Uncertain significance (1 of 4 stars; one submission).

Conditions:
Inborn genetic diseases. Identifiers: MedGen C0950123, MeSH D030342.

gnomAD v4.1: 1 of 1,609,930 alleles (0.000062%); highest among the groups gnomAD compares: Admixed American, 0.0017%; no homozygotes.

Submission:

Ambry Genetics
Classification: Uncertain significance for Inborn genetic diseases. Last evaluated: 2026-03-07. Review status: criteria provided, single submitter. Criteria: Ambry Variant Classification Scheme 2023. Collection method: clinical testing. Allele origin: germline.
Comment: The p.R370G variant (also known as c.1108C>G), located in coding exon 5 of the RECQL4 gene, results from a C to G substitution at nucleotide position 1108. The arginine at codon 370 is replaced by glycine, an amino acid with dissimilar properties. This amino acid position is conserved. In addition, the in silico prediction for this alteration is inconclusive. Based on the available evidence, the clinical significance of this variant remains unclear.

NM_004260.4(RECQL4):c.1108C>G (p.Arg370Gly)

Gene: RECQL4 (RecQ like helicase 4; minus strand). Cytogenetic location: 8q24.3.
Variant type: single nucleotide variant.
Coding change: c.1108C>G on transcript NM_004260.4 (MANE Select); coding-DNA position 1108, C replaced by G.
Protein change: p.Arg370Gly; replaces arginine 370 with glycine.
Molecular consequence: missense variant. On other transcripts: 5 prime UTR variant (6), non-coding transcript variant (3).
Genome position (GRCh38, 1-based): chr8:144,516,011, G>C on the plus strand (C>G on the coding strand, the complement: RECQL4 is on the minus strand). VCF-style: chr8-144516011-G-C. GRCh37 (hg19) VCF-style: chr8-145741395-G-C.
Other names: c.1012C>G, p.Arg338Gly (NM_001413017.1, NM_001413020.1); c.1108C>G, p.Arg370Gly (NM_001413018.1, NM_001413019.1, NM_001413033.1 and 2 more transcripts); c.37C>G, p.Arg13Gly (NM_001413021.1, NM_001413022.1, NM_001413023.1 and 8 more transcripts); c.979C>G, p.Arg327Gly (NM_001413025.1); c.-26C>G (NM_001413027.1, NM_001413030.1, NM_001413031.1 and 2 more transcripts); c.757C>G, p.Arg253Gly (NM_001413029.1); c.-233C>G (NM_001413043.1); short protein forms R13G, R253G, R338G, R370G, R327G.
Identifiers: ClinVar variation 4825869 (VCV004825869.1).